The following is an entry in ClinVar:

ClinVar aggregate classification (germline): Pathogenic (1 of 4 stars; one submission).

Conditions:
Multiple acyl-CoA dehydrogenase deficiency (MADD). Also called: ETHYLMALONIC-ADIPICACIDURIA; GA II; Glutaric aciduria, type 2; Glutaric acidemia type II; GA 2; Glutaric Acidemia type 2. Identifiers: Orphanet 26791, MedGen C0268596, MONDO:0009282, OMIM 231680.

Submission:

Labcorp Genetics (formerly Invitae), Labcorp
Classification: Pathogenic for Multiple acyl-CoA dehydrogenase deficiency. Last evaluated: 2023-07-03. Review status: criteria provided, single submitter. Criteria: Invitae Variant Classification Sherloc (09022015). Collection method: clinical testing. Allele origin: unknown.
Comment: This variant disrupts a region of the ETFB protein in which other variant(s) (p.Arg164Trp) have been determined to be pathogenic (PMID: 18289905; Invitae). This suggests that this is a clinically significant region of the protein, and that variants that disrupt it are likely to be disease-causing. For these reasons, this variant has been classified as Pathogenic. This variant has not been reported in the literature in individuals affected with ETFB-related conditions. This variant is a gross deletion of the genomic region encompassing exon(s) 5-6 of the ETFB gene, which includes the termination codon. This deletion extends beyond the assayed region for this gene and therefore may encompass additional genes. While this deletion is not anticipated to lead to nonsense mediated decay, it is expected to alter mRNA translation or result in a truncated protein product.

Literature cited by the submitters: PubMed 18289905.

NC_000019.9:g.(?_51848465)_(51850332_?)del

Gene: ETFB (electron transfer flavoprotein subunit beta; minus strand). Cytogenetic location: 19q13.41.
Variant type: Deletion.
Identifiers: ClinVar variation 3248432 (VCV003248432.1).